The following is an entry in ClinVar:

NM_025114.4(CEP290):c.7366_7369dup (p.Thr2457fs)

Genes: CEP290 (centrosomal protein 290; minus strand), RLIG1 (RNA 5'-phosphate and 3'-OH ligase 1; plus strand). Cytogenetic location: 12q21.32.
Variant type: Duplication.
Coding change: c.7366_7369dup on transcript NM_025114.4 (MANE Select); coding-DNA positions 7366 to 7369, 4 bases duplicated (TTAA; older notation c.7366_7369dupTTAA).
Protein change: p.Thr2457fs; shifts the reading frame from threonine 2457.
Molecular consequence: frameshift variant. On other transcripts: 3 prime UTR variant (1).
Genome position (GRCh38, 1-based): chr12:88,049,255-88,049,258, TTAA duplicated on the plus strand (TTAA on the coding strand, the reverse complement: CEP290 is on the minus strand); duplicating any 4 consecutive bases within chr12:88,049,255-88,049,260 gives the same sequence; the c. name uses the placement nearest the transcript's 3' end. VCF-style (leftmost placement, unchanged base first): chr12-88049254-G-GTTAA. GRCh37 (hg19) VCF-style: chr12-88443031-G-GTTAA.
Other names: c.*835_*838dup (NM_001009894.3); short protein forms T2457fs.
Identifiers: ClinVar variation 4997228 (VCV004997228.1).
Genomic context (GRCh38, chr12:88,049,254, plus strand): 5'-GGGAAATTAACAGGACTTTCTTCTTCATCTTCAAACTCTTCAGAAGCAGCAACAGGGCTA[G>GTTAA]TTAATTCAACTCCCAATTGTTCTGAAAGTTTTTTTACCTTCTCTTCTAAGAGAATATTCT-3'

ClinVar aggregate classification (germline): Likely pathogenic (1 of 4 stars; one submission).

Conditions:
CEP290-related disorder. Also called: CEP290-related condition; CEP290-related disorders. Identifiers: MedGen CN239314.

Submission:

PreventionGenetics, part of Exact Sciences
Classification: Likely pathogenic for CEP290-related condition. Last evaluated: 2025-05-30. Review status: criteria provided, single submitter. Criteria: ACMG Guidelines, 2015. Collection method: clinical testing. Allele origin: germline.
Comment: The CEP290 c.7366_7369dupTTAA variant is predicted to result in a frameshift and premature protein termination (p.Thr2457Ilefs*3). To our knowledge, this variant has not been reported in the literature. This variant is reported in 0.00091% of alleles in individuals of European (non-Finnish) descent in gnomAD. This variant is present in the last exon of CEP290. Nearby frameshift variants (c.7341dup, c.7366_7369del) have been reported with a second variant or in the homozygous state in individuals with CEP290-related disorders and the c.7366_7369del variant may be a hypomorphic variant (Sayer et al. 2006. PubMed ID: 16682973 ; Coppieters et al. 2010. PubMed ID: 20683928; Benkirane et al. 2021. PubMed ID: 34234304). Frameshift variants in CEP290 are expected to be pathogenic. This variant is interpreted as likely pathogenic.